The following is an entry in ClinVar:

ClinVar aggregate classification (germline): Uncertain significance. Review status: criteria provided, multiple submitters, no conflicts (2 of 4 stars). 2 submissions from 2 submitters: Uncertain significance (2). Last evaluated 2025-08-27.

Conditions:
Inborn genetic diseases. Identifiers: MedGen C0950123, MeSH D030342.

Allele frequency attached by ClinVar (database versions not stated): gnomAD 0.00001; TOPMed 0.00001; gnomAD exomes below 0.00001.
gnomAD v4.1: 5 of 1,574,814 alleles (0.00032%); highest among the groups gnomAD compares: South Asian, 0.0011%; no homozygotes.

Submissions (2):

Ambry Genetics
Classification: Uncertain significance for Inborn genetic diseases. Last evaluated: 2025-08-27. Review status: criteria provided, single submitter. Criteria: Ambry Variant Classification Scheme 2023. Collection method: clinical testing. Allele origin: germline.

Labcorp Genetics (formerly Invitae), Labcorp
Classification: Uncertain significance. Last evaluated: 2025-01-27. Review status: criteria provided, single submitter. Criteria: Invitae Variant Classification Sherloc (09022015). Collection method: clinical testing. Allele origin: germline.
Comment: This sequence change replaces serine, which is neutral and polar, with leucine, which is neutral and non-polar, at codon 140 of the NACC1 protein (p.Ser140Leu). This variant is present in population databases (no rsID available, gnomAD 0.001%). This variant has not been reported in the literature in individuals affected with NACC1-related conditions. ClinVar contains an entry for this variant (Variation ID: 1952807). Invitae Evidence Modeling of protein sequence and biophysical properties (such as structural, functional, and spatial information, amino acid conservation, physicochemical variation, residue mobility, and thermodynamic stability) indicates that this missense variant is not expected to disrupt NACC1 protein function with a negative predictive value of 80%. In summary, the available evidence is currently insufficient to determine the role of this variant in disease. Therefore, it has been classified as a Variant of Uncertain Significance.

NM_052876.4(NACC1):c.419C>T (p.Ser140Leu)

Gene: NACC1 (nucleus accumbens associated 1; plus strand). Cytogenetic location: 19p13.13.
Variant type: single nucleotide variant.
Coding change: c.419C>T on transcript NM_052876.4 (MANE Select); coding-DNA position 419, C replaced by T.
Protein change: p.Ser140Leu; replaces serine 140 with leucine.
Molecular consequence: missense variant.
Genome position (GRCh38, 1-based): chr19:13,135,626, C>T. VCF-style: chr19-13135626-C-T. GRCh37 (hg19) VCF-style: chr19-13246440-C-T.
Other names: c.419C>T (NM_052876.2); short protein forms S140L.
Identifiers: ClinVar variation 1952807 (VCV001952807.6), dbSNP rs1312154619, ClinGen allele CA404325334.